The following is an entry in ClinVar:

ClinVar aggregate classification (germline): Pathogenic/Likely pathogenic. Review status: criteria provided, multiple submitters, no conflicts (2 of 4 stars). 2 submissions from 2 submitters: Pathogenic (1); Likely pathogenic (1). Last evaluated 2025-04-02.

Conditions:
Inborn genetic diseases. Identifiers: MedGen C0950123, MeSH D030342.
Angelman syndrome (AS). Also called: HAPPY PUPPET SYNDROME. Identifiers: Orphanet 72, MedGen C0162635, MONDO:0007113, OMIM 105830. Disease mechanism: loss of function. Inheritance: AS is caused by disruption of maternally imprinted UBE3A located within the 15q11.2-q13 Angelman syndrome/Prader-Willi syndrome (AS/PWS) region., imprinting disorder.

Submissions (2):

Institute of Human Genetics, Heidelberg University
Classification: Likely pathogenic for Angelman syndrome. Last evaluated: 2025-04-02. Review status: criteria provided, single submitter. Criteria: ACMG Guidelines, 2015. Collection method: clinical testing. Allele origin: de novo. Affected: yes. Observed: 1 variant allele.
Comment: PS2_strong, PM4_mod, PM2_supp, PP4_supp

Ambry Genetics
Classification: Pathogenic for Inborn genetic diseases. Last evaluated: 2018-01-05. Review status: criteria provided, single submitter. Criteria: Ambry exome assertion method (8-5-2015). Collection method: clinical testing. Allele origin: germline. Affected: yes. Observed: 1 variant allele.

NM_130839.5(UBE3A):c.2403CTT[1] (p.Phe802del)

Genes: SNHG14 (small nucleolar RNA host gene 14; plus strand), UBE3A (ubiquitin protein ligase E3A; minus strand). Cytogenetic location: 15q11.2.
Variant type: Microsatellite.
Coding change: c.2403CTT[1] on transcript NM_130839.5 (MANE Select); one copy of the 3-base unit CTT starting at c.2403; the reference has two copies in a row; one copy, 3 bases deleted; also written c.2406_2408del.
Protein change: p.Phe802del; deletes phenylalanine 802.
Molecular consequence: inframe deletion. On other transcripts: non-coding transcript variant (1).
Genome position (GRCh38, 1-based): chr15:25,340,175-25,340,177, AAG deleted on the plus strand (CTT on the coding strand, the reverse complement: UBE3A is on the minus strand); deleting any 3 consecutive bases within chr15:25,340,175-25,340,181 gives the same sequence; the position shown is the placement nearest the transcript's 3' end. VCF-style (leftmost placement, unchanged base first): chr15-25340174-CAAG-C. GRCh37 (hg19) VCF-style: chr15-25585321-CAAG-C.
Other names: c.2412CTT[1], p.Phe805del (NM_000462.5); c.2403CTT[1], p.Phe802del (NM_001354505.1, NM_001354538.2); c.2343CTT[1], p.Phe782del (NM_001354506.2, NM_001354507.2, NM_001354508.2 and 14 more transcripts); c.2247CTT[1], p.Phe750del (NM_001354545.2); c.2226CTT[1], p.Phe743del (NM_001354546.2); c.2187CTT[1], p.Phe730del (NM_001354547.2, NM_001354548.2); c.2178CTT[1], p.Phe727del (NM_001354549.2); c.1152CTT[1], p.Phe385del (NM_001354550.2); and 2 more; short protein forms F782del, F730del, F750del, F802del, F743del, F385del, F727del, F805del.
Identifiers: ClinVar variation 520736 (VCV000520736.5), dbSNP rs1555380820, ClinGen allele CA658798290.